The following is an entry in ClinVar:

ClinVar aggregate classification (germline): Uncertain significance (1 of 4 stars; one submission).

Conditions:
Hereditary cancer-predisposing syndrome. Also called: Hereditary Cancer Syndrome; Hereditary neoplastic syndrome; Tumor predisposition; Neoplastic Syndromes, Hereditary. Identifiers: Orphanet 140162, MedGen C0027672, MeSH D009386, MONDO:0015356.
Cardiovascular phenotype. Identifiers: MedGen CN230736.

Submission:

Ambry Genetics
Classification: Uncertain significance for Cardiovascular phenotype; Hereditary cancer-predisposing syndrome. Last evaluated: 2024-09-16. Review status: criteria provided, single submitter. Criteria: Ambry Variant Classification Scheme 2023. Collection method: clinical testing. Allele origin: germline.
Comment: The c.1278A>G variant (also known as p.K426K), located in coding exon 12 of the LZTR1 gene, results from an A to G substitution at nucleotide position 1278. This nucleotide substitution does not change the amino acid at codon 426. This nucleotide position is not well conserved in available vertebrate species. In silico splice site analysis for this alteration is inconclusive. Based on the available evidence, the clinical significance of this variant remains unclear.

NM_006767.4(LZTR1):c.1278A>G (p.Lys426=)

Gene: LZTR1 (leucine zipper like post translational regulator 1; plus strand). Cytogenetic location: 22q11.21.
Variant type: single nucleotide variant.
Coding change: c.1278A>G on transcript NM_006767.4 (MANE Select); coding-DNA position 1278, A replaced by G.
Protein change: p.Lys426=; no amino-acid change (lysine 426 retained).
Molecular consequence: synonymous variant.
Genome position (GRCh38, 1-based): chr22:20,993,679, A>G. VCF-style: chr22-20993679-A-G. GRCh37 (hg19) VCF-style: chr22-21347968-A-G.
Identifiers: ClinVar variation 3541542 (VCV003541542.1).